The following is an entry in ClinVar:

NM_002471.4(MYH6):c.2557A>C (p.Thr853Pro)

Gene: MYH6 (myosin heavy chain 6; minus strand). Cytogenetic location: 14q11.2.
Variant type: single nucleotide variant.
Coding change: c.2557A>C on transcript NM_002471.4 (MANE Select); coding-DNA position 2557, A replaced by C.
Protein change: p.Thr853Pro; replaces threonine 853 with proline.
Molecular consequence: missense variant.
Genome position (GRCh38, 1-based): chr14:23,394,196, T>G on the plus strand (A>C on the coding strand, the complement: MYH6 is on the minus strand). VCF-style: chr14-23394196-T-G. GRCh37 (hg19) VCF-style: chr14-23863405-T-G.
Other names: short protein forms T853P.
Identifiers: ClinVar variation 3400890 (VCV003400890.1).

ClinVar aggregate classification (germline): Uncertain significance (1 of 4 stars; one submission).

Conditions:
Cardiovascular phenotype. Identifiers: MedGen CN230736.

Submission:

Ambry Genetics
Classification: Uncertain significance for Cardiovascular phenotype. Last evaluated: 2024-10-28. Review status: criteria provided, single submitter. Criteria: Ambry Variant Classification Scheme 2023. Collection method: clinical testing. Allele origin: germline.
Comment: The p.T853P variant (also known as c.2557A>C), located in coding exon 19 of the MYH6 gene, results from an A to C substitution at nucleotide position 2557. The threonine at codon 853 is replaced by proline, an amino acid with highly similar properties. This amino acid position is conserved. In addition, the in silico prediction for this alteration is inconclusive. Based on the available evidence, the clinical significance of this variant remains unclear.